The following is an entry in ClinVar:

ClinVar aggregate classification (germline): Likely benign (0 of 4 stars; one submission).

Conditions:
PKD1-related disorder. Also called: PKD1-related condition.

Allele frequency attached by ClinVar (database versions not stated): gnomAD 0.00001; TOPMed 0.00003; 1000 Genomes Project 0.00020; 1000 Genomes Project 30x 0.00031.

Submission:

PreventionGenetics, part of Exact Sciences
Classification: Likely benign for PKD1-related condition. Last evaluated: 2022-03-26. Review status: no assertion criteria provided. Collection method: clinical testing. Allele origin: germline.
Comment: This variant is classified as likely benign based on ACMG/AMP sequence variant interpretation guidelines (Richards et al. 2015 PMID: 25741868, with internal and published modifications).

NM_001009944.3(PKD1):c.2350T>C (p.Leu784=)

Gene: PKD1 (polycystin 1, transient receptor potential channel interacting; minus strand). Cytogenetic location: 16p13.3.
Variant type: single nucleotide variant.
Coding change: c.2350T>C on transcript NM_001009944.3 (MANE Select); coding-DNA position 2350, T replaced by C.
Protein change: p.Leu784=; no amino-acid change (leucine 784 retained).
Molecular consequence: synonymous variant.
Genome position (GRCh38, 1-based): chr16:2,114,673, A>G on the plus strand (T>C on the coding strand, the complement: PKD1 is on the minus strand). VCF-style: chr16-2114673-A-G. GRCh37 (hg19) VCF-style: chr16-2164674-A-G.
Other names: c.2350T>C, p.Leu784= (NM_000296.4).
Identifiers: ClinVar variation 3029584 (VCV003029584.2), dbSNP rs548912379, ClinGen allele CA276782814.
Genomic context (GRCh38, chr16:2,114,673, plus strand): 5'-TGCCCACCTCTGCCCGGACCTCATAGCGCCCAGGCAGCCGCAGTCCAGGGTTGGGCCTCA[A>G]GCCCAGCAGCACGGTGAGCTGTTCCGTGGCTGCAAGCAGCCGCAGGGCACAGGCAGGGCA-3'
Protein context (NP_001009944.3, residues 774-794): ATEQLTVLLG[Leu784=]RPNPGLRLPG